The following is an entry in ClinVar:

NM_000548.5(TSC2):c.4524CTT[1] (p.Phe1510del)

Gene: TSC2 (TSC complex subunit 2; plus strand). Cytogenetic location: 16p13.3.
Variant type: Microsatellite.
Coding change: c.4524CTT[1] on transcript NM_000548.5 (MANE Select); one copy of the 3-base unit CTT starting at c.4524; the reference has two copies in a row; one copy, 3 bases deleted; also written c.4527_4529del.
Protein change: p.Phe1510del; deletes phenylalanine 1510.
Molecular consequence: inframe deletion.
Genome position (GRCh38, 1-based): chr16:2,084,984-2,084,986, CTT deleted; deleting any 3 consecutive bases within chr16:2,084,981-2,084,986 gives the same sequence; the position shown is the placement nearest the transcript's 3' end. VCF-style (leftmost placement, unchanged base first): chr16-2084980-CCTT-C. GRCh37 (hg19) VCF-style: chr16-2134981-CCTT-C.
Other names: c.4323CTT[1], p.Phe1443del (NM_001077183.3); c.4455CTT[1], p.Phe1487del (NM_001114382.3); c.4215CTT[1], p.Phe1407del (NM_001318827.2); c.4179CTT[1], p.Phe1395del (NM_001318829.2); c.3792CTT[1], p.Phe1266del (NM_001318831.2); c.4356CTT[1], p.Phe1454del (NM_001318832.2); c.4326CTT[1], p.Phe1444del (NM_001363528.2); c.4392CTT[1], p.Phe1466del (NM_001370404.1); and 4 more; short protein forms F1510del, F1467del, F1395del, F1407del, F1454del, F1466del, F1266del, F1443del.
Identifiers: ClinVar variation 49302 (VCV000049302.83), dbSNP rs137854239, ClinGen allele CA020599.

ClinVar aggregate classification (germline): Conflicting classifications of pathogenicity. Review status: criteria provided, conflicting classifications (1 of 4 stars). 31 submissions from 30 submitters: Uncertain significance (1); Benign (19); Likely benign (5). 6 of the submissions do not count toward it. Last evaluated 2026-09-01.

Conditions:
Lung lymphangioleiomyomatosis. Identifiers: Orphanet 538, MedGen C0349649, MONDO:0006277.
Hereditary cancer-predisposing syndrome. Also called: Neoplastic Syndromes, Hereditary; Tumor predisposition; Hereditary Cancer Syndrome; Hereditary neoplastic syndrome. Identifiers: Orphanet 140162, MedGen C0027672, MeSH D009386, MONDO:0015356.
Tuberous sclerosis syndrome (TSC). Also called: Tuberous Sclerosis Complex; Tuberous sclerosis. Identifiers: Orphanet 805, MedGen C0041341, MONDO:0001734.
Tuberous sclerosis 2 (TSC2). Identifiers: Orphanet 805, MedGen C1860707, MONDO:0013199, OMIM 613254.

Submissions (31):

CeGaT Center for Human Genetics Tuebingen
Classification: Benign. Last evaluated: 2026-09-01. Review status: criteria provided, single submitter. Criteria: CeGaT Center For Human Genetics Tuebingen Variant Classification Criteria Version 2. Collection method: clinical testing. Allele origin: germline. Affected: yes. Observed: 163 variant alleles.
Comment: TSC2: PM4:Supporting, BS1, BS2

Labcorp Genetics (formerly Invitae), Labcorp
Classification: Benign for Tuberous sclerosis 2. Last evaluated: 2026-02-03. Review status: criteria provided, single submitter. Criteria: Invitae Variant Classification Sherloc (09022015). Collection method: clinical testing. Allele origin: germline.

Laboratorio de I+D, Fundación Centro Médico de Asturias
Classification: Likely benign for Hereditary cancer-predisposing syndrome. Last evaluated: 2025-07-30. Review status: criteria provided, single submitter. Criteria: ACMG Guidelines, 2015. Collection method: clinical testing. Allele origin: germline.
Comment: BS1+BS2++BP5+PM1_Strong+PM4

Mayo Clinic Laboratories, Mayo Clinic
Classification: Benign. Last evaluated: 2025-06-12. Review status: criteria provided, single submitter. Criteria: ACMG Guidelines, 2015. Collection method: clinical testing. Allele origin: germline. Observed: 9 variant alleles.
Comment: BS1, BS2

Myriad Genetics, Inc.
Classification: Benign for Tuberous sclerosis 2. Last evaluated: 2025-06-04. Review status: criteria provided, single submitter. Criteria: Myriad Autosomal Dominant, Autosomal Recessive and X-Linked Classification Criteria (2023). Collection method: clinical testing. Allele origin: unknown.
Comment: This variant is considered benign. This variant has been observed at a population frequency that is significantly greater than expected given the associated disease prevalence and penetrance. Homozygosity has been confirmed in one or more individuals. As homozygosity for pathogenic variants in this gene is generally assumed to result in embryonic lethality, this variant is unlikely to be pathogenic.

Blueprint Genetics
Classification: Likely benign. Last evaluated: 2024-11-26. Review status: criteria provided, single submitter. Criteria: ACMG Guidelines, 2015. Collection method: clinical testing. Allele origin: germline.

ARUP Laboratories, Molecular Genetics and Genomics, ARUP Laboratories
Classification: Benign. Last evaluated: 2024-08-27. Review status: criteria provided, single submitter. Criteria: ARUP Molecular Germline Variant Investigation Process 2024. Collection method: clinical testing. Allele origin: germline.

KCCC/NGS Laboratory, Kuwait Cancer Control Center
Classification: Benign for Tuberous sclerosis 2. Last evaluated: 2023-07-07. Review status: criteria provided, single submitter. Criteria: ACMG Guidelines, 2015. Collection method: clinical testing. Allele origin: germline. Affected: yes.

Molecular Genetics, Royal Melbourne Hospital
Classification: Benign for Tuberous sclerosis 2. Last evaluated: 2023-07-07. Review status: criteria provided, single submitter. Criteria: ACMG Guidelines, 2015. Collection method: clinical testing. Allele origin: germline. Inheritance: Autosomal dominant inheritance. Affected: no.

Women's Health and Genetics/Laboratory Corporation of America, LabCorp
Classification: Likely benign. Last evaluated: 2022-09-24. Review status: criteria provided, single submitter. Criteria: LabCorp Variant Classification Summary - May 2015. Collection method: clinical testing. Allele origin: germline.

Color Diagnostics, LLC DBA Color Health
Classification: Benign for Tuberous sclerosis syndrome. Last evaluated: 2022-09-20. Review status: criteria provided, single submitter. Criteria: ACMG Guidelines, 2015. Collection method: clinical testing. Allele origin: germline.

Quest Diagnostics Nichols Institute San Juan Capistrano
Classification: Benign. Last evaluated: 2022-02-07. Review status: criteria provided, single submitter. Criteria: Quest Diagnostics criteria. Collection method: clinical testing. Allele origin: unknown.

Department of Pathology and Laboratory Medicine, Sinai Health System
Classification: Benign for Lung lymphangioleiomyomatosis. Last evaluated: 2021-08-04. Review status: criteria provided, single submitter. Criteria: ACMG Guidelines, 2015. Collection method: clinical testing. Allele origin: germline. Affected: yes.

Genetic Services Laboratory, University of Chicago
Classification: Benign. Last evaluated: 2021-06-17. Review status: criteria provided, single submitter. Criteria: ACMG Guidelines, 2015. Collection method: clinical testing. Allele origin: germline. Affected: no.

Sema4
Classification: Benign for Hereditary cancer-predisposing syndrome. Last evaluated: 2020-02-24. Review status: criteria provided, single submitter. Criteria: Sema4 Curation Guidelines. Collection method: curation. Allele origin: germline.

Mendelics
Classification: Likely benign for Tuberous sclerosis 2. Last evaluated: 2019-05-28. Review status: criteria provided, single submitter. Criteria: Mendelics Assertion Criteria 2017. Collection method: clinical testing. Allele origin: unknown.

PreventionGenetics, part of Exact Sciences
Classification: Benign. Last evaluated: 2018-02-14. Review status: criteria provided, single submitter. Criteria: ACMG Guidelines, 2015. Collection method: clinical testing. Allele origin: germline.

Center for Pediatric Genomic Medicine, Children's Mercy Hospital and Clinics
Classification: Benign. Last evaluated: 2017-07-28. Review status: criteria provided, single submitter. Criteria: ACMG Guidelines, 2015. Collection method: clinical testing. Allele origin: germline.

Ambry Genetics
Classification: Benign for Hereditary cancer-predisposing syndrome. Last evaluated: 2017-07-20. Review status: criteria provided, single submitter. Criteria: Ambry Variant Classification Scheme 2023. Collection method: clinical testing. Allele origin: germline.

Institute for Genomic Medicine (IGM) Clinical Laboratory, Nationwide Children's Hospital
Classification: Likely benign. Last evaluated: 2017-07-17. Review status: criteria provided, single submitter. Criteria: ACMG Guidelines, 2015. Collection method: clinical testing. Allele origin: germline.
Comment: BS1, BP6; This alteration has an allele frequency that is greater than expected for the associated disease, and was reported as a benign/likely benign alteration by a reputable source (ClinVar or other correspondence from a clinical testing laboratory).

Athena Diagnostics
Classification: Benign for Tuberous sclerosis 2. Last evaluated: 2017-05-25. Review status: criteria provided, single submitter. Criteria: Athena Diagnostics Criteria. Collection method: clinical testing. Allele origin: germline.

Eurofins Ntd Llc (ga)
Classification: Benign. Last evaluated: 2016-12-28. Review status: criteria provided, single submitter. Criteria: EGL Classification Definitions 2015. Collection method: clinical testing. Allele origin: germline. Observed: 1 variant allele, 1 heterozygote.

Center for Human Genetics, Inc
Classification: Uncertain significance for Tuberous sclerosis 2. Last evaluated: 2016-11-01. Review status: criteria provided, single submitter. Criteria: ACMG Guidelines, 2015. Collection method: clinical testing. Allele origin: germline. Affected: yes.

Laboratory for Molecular Medicine, Mass General Brigham Personalized Medicine
Classification: Benign. Last evaluated: 2016-03-28. Review status: criteria provided, single submitter. Criteria: LMM Criteria. Collection method: clinical testing. Allele origin: germline.
Comment: Variant identified in a genome or exome case(s) and assessed due to predicted null impact of the variant or pathogenic assertions in the literature or databases. Disclaimer: This variant has not undergone full assessment. The following are preliminary notes: ExAC: 0.9% (155/16504) South Asian chromosomes. ClinVar: 3 labs classify as benign/likely benign

GeneDx
Classification: Benign. Last evaluated: 2013-09-30. Review status: criteria provided, single submitter. Criteria: GeneDx Variant Classification (06012015). Collection method: clinical testing. Allele origin: germline. Affected: yes.
Comment: The variant is found in EPILEPSY,INFANT-EPI panel(s).

ITMI
No classification provided. Condition: AllHighlyPenetrant. Last evaluated: 2013-09-19. Review status: no classification provided. Collection method: reference population. Allele origin: germline. Not counted in ClinVar's aggregate classification.
Comment: Please see associated publication for description of ethnicities

Biesecker Lab/Clinical Genomics Section, National Institutes of Health
Classification: Likely benign. Last evaluated: 2012-07-13. Review status: no assertion criteria provided. Collection method: research. Allele origin: germline. Affected: no. Observed: 5 variant alleles. Study: ClinSeq. Not counted in ClinVar's aggregate classification.
ClinVar note: Converted during submission from probably not pathogenic to Likely benign.

Tuberous sclerosis database (TSC2)
No classification provided. Last evaluated: 2011-04-06. Review status: no classification provided. Criteria: Tuberous Sclerosis Database Assertion Criteria 2015. Collection method: curation. Allele origin: not provided. Not counted in ClinVar's aggregate classification.

Clinical Genetics, Academic Medical Center
Classification: Benign. Review status: no assertion criteria provided. Collection method: clinical testing. Allele origin: germline. Affected: yes. Study: VKGL Data-share Consensus. Not counted in ClinVar's aggregate classification.

Genome Diagnostics Laboratory, Amsterdam University Medical Center
Classification: Likely benign. Review status: no assertion criteria provided. Collection method: clinical testing. Allele origin: germline. Affected: yes. Study: VKGL Data-share Consensus. Not counted in ClinVar's aggregate classification.

Tuberous sclerosis database (TSC2)
No classification provided. Last evaluated: 2011-04-06. Review status: flagged submission. Criteria: Tuberous Sclerosis Database Assertion Criteria 2015. Collection method: curation. Allele origin: unknown. Not counted in ClinVar's aggregate classification.
ClinVar note: Reason: This record appears to be redundant with a more recent record from the same submitter.
ClinVar note: Notes: SCV000066355 appears to be redundant with SCV000066879.

Literature cited by the submitters: PubMed 8824881 (cited by Quest Diagnostics Nichols Institute San Juan Capistrano and Athena Diagnostics); PubMed 17304050 (cited by Quest Diagnostics Nichols Institute San Juan Capistrano and Athena Diagnostics); PubMed 9829910 (cited by Quest Diagnostics Nichols Institute San Juan Capistrano and Athena Diagnostics); PubMed 21309039 (cited by Quest Diagnostics Nichols Institute San Juan Capistrano and Athena Diagnostics); PubMed 9302281 (cited by Quest Diagnostics Nichols Institute San Juan Capistrano and Athena Diagnostics); PubMed 27153395 (cited by Quest Diagnostics Nichols Institute San Juan Capistrano and Athena Diagnostics); PubMed 19254590 (cited by Quest Diagnostics Nichols Institute San Juan Capistrano and Athena Diagnostics); PubMed 15798777 (cited by Quest Diagnostics Nichols Institute San Juan Capistrano and Athena Diagnostics); PubMed 24728327 (cited by Department of Pathology and Laboratory Medicine, Sinai Health System and ITMI).